The following is an entry in ClinVar:

NM_001130009.3(GEN1):c.869A>G (p.His290Arg)

Gene: GEN1 (GEN1 Holliday junction 5' flap endonuclease; plus strand). Cytogenetic location: 2p24.2.
Variant type: single nucleotide variant.
Coding change: c.869A>G on transcript NM_001130009.3 (MANE Select); coding-DNA position 869, A replaced by G.
Protein change: p.His290Arg; replaces histidine 290 with arginine.
Molecular consequence: missense variant.
Genome position (GRCh38, 1-based): chr2:17,772,700, A>G. VCF-style: chr2-17772700-A-G. GRCh37 (hg19) VCF-style: chr2-17953967-A-G.
Other names: c.869A>G, p.His290Arg (NM_182625.5); short protein forms H290R.
Identifiers: ClinVar variation 4029316 (VCV004029316.1).
Genomic context (GRCh38, chr2:17,772,700, plus strand): 5'-CTAAGGATCATGAACGTAATGGATGCAGATTATGTAAAAGTGATAAATATTGTGAGCCAC[A>G]TGACTATGAATACTGCTGTCCTTGTGAGTGGCACCGTACAGAACATGATAGGCAACTCAG-3'
Protein context (NP_001123481.3, residues 280-300): LCKSDKYCEP[His290Arg]DYEYCCPCEW

ClinVar aggregate classification (germline): Uncertain significance (1 of 4 stars; one submission).

gnomAD v4.1: 2 of 1,612,348 alleles (0.00012%); highest among the groups gnomAD compares: Non-Finnish European, 0.00017%; no homozygotes.

Submission:

Ambry Genetics
Classification: Uncertain significance. Last evaluated: 2025-05-25. Review status: criteria provided, single submitter. Criteria: Ambry Variant Classification Scheme 2023. Collection method: clinical testing. Allele origin: germline.
Comment: The p.H290R variant (also known as c.869A>G), located in coding exon 7 of the GEN1 gene, results from an A to G substitution at nucleotide position 869. The histidine at codon 290 is replaced by arginine, an amino acid with highly similar properties. This amino acid position is conserved. In addition, this alteration is predicted to be tolerated by in silico analysis. Based on the available evidence, the clinical significance of this variant remains unclear.